The following is an entry in ClinVar:

NM_007194.4(CHEK2):c.641del (p.Lys214fs)

Gene: CHEK2 (checkpoint kinase 2; minus strand). Cytogenetic location: 22q12.1.
Variant type: Deletion.
Coding change: c.641del on transcript NM_007194.4 (MANE Select); coding-DNA position 641, one base deleted (A; older notation c.641delA).
Protein change: p.Lys214fs; shifts the reading frame from lysine 214.
Molecular consequence: frameshift variant. On other transcripts: 5 prime UTR variant (2), intron variant (1).
Genome position (GRCh38, 1-based): chr22:28,719,437, T deleted on the plus strand (A on the coding strand, the reverse complement: CHEK2 is on the minus strand); the first of 2 consecutive T bases (chr22:28,719,437-28,719,438); deleting either gives the same sequence. VCF-style (leftmost placement, unchanged base first): chr22-28719436-CT-C. GRCh37 (hg19) VCF-style: chr22-29115424-CT-C.
Other names: c.770del, p.Lys257fs (NM_001005735.3, NM_001438294.1); c.-23del (NM_001257387.3, NM_001437942.1); c.734del, p.Lys245fs (NM_001438293.1, NM_001438295.1); c.641del, p.Lys214fs (NM_145862.3); c.482+5449del (NM_001349956.3); short protein forms K214fs, K245fs, K257fs.
Identifiers: ClinVar variation 4868941 (VCV004868941.3).
Genomic context (GRCh38, chr22:28,719,436, plus strand): 5'-ATATAAGAAAATAATTTACCTTCCAAGAGTTTTTGACATGATGTATTCATCTCTTAATGC[CT>C]TAGGATAAACTGACTGATCATCTACAGTCAGATCAAAAAAGACAAAAACTAAGGAAGAAA-3'

ClinVar aggregate classification (germline): Pathogenic/Likely pathogenic. Review status: criteria provided, multiple submitters, no conflicts (2 of 4 stars). 2 submissions from 2 submitters: Pathogenic (1); Likely pathogenic (1). Last evaluated 2026-05-20.

Conditions:
Hereditary cancer-predisposing syndrome. Also called: Neoplastic Syndromes, Hereditary; Tumor predisposition; Hereditary neoplastic syndrome; Hereditary Cancer Syndrome. Identifiers: Orphanet 140162, MedGen C0027672, MeSH D009386, MONDO:0015356.
Familial prostate cancer. Also called: Hereditary Prostate Cancer. Identifiers: MedGen C2931456, MONDO:0700275, OMIM 176807.
Bone osteosarcoma. Also called: Osteosarcoma, somatic. Identifiers: Orphanet 668, MedGen C0585442, MONDO:0002629, OMIM 259500.
CHEK2-related cancer predisposition (TPDS4). Also called: TUMOR PREDISPOSITION SYNDROME 4; CANCER PREDISPOSITION SYNDROME, CHEK2-RELATED; CHEK2-related cancer susceptibility. Identifiers: Orphanet 524, MedGen C5882668, MONDO:0700271, OMIM 609265.

Submissions (2):

Ambry Genetics
Classification: Pathogenic for Hereditary cancer-predisposing syndrome. Last evaluated: 2026-05-20. Review status: criteria provided, single submitter. Criteria: Ambry Variant Classification Scheme 2023. Collection method: clinical testing. Allele origin: germline.
Comment: The c.641delA pathogenic mutation, located in coding exon 4 of the CHEK2 gene, results from a deletion of one nucleotide at nucleotide position 641, causing a translational frameshift with a predicted alternate stop codon (p.K214Rfs*3). This variant is considered to be rare based on population cohorts in the Genome Aggregation Database (gnomAD). This variant is expected to result in loss of function by premature protein truncation or nonsense-mediated mRNA decay. As such, this variant is interpreted as a disease-causing mutation.

Juno Genomics, Hangzhou Juno Genomics, Inc
Classification: Likely pathogenic for CHEK2-related cancer predisposition; Bone osteosarcoma; Familial prostate cancer. Review status: criteria provided, single submitter. Criteria: ACMG Guidelines, 2015. Collection method: clinical testing. Allele origin: germline.
Comment: Null variant in a gene where loss of function (LOF) is a known mechanism of disease.;Absent from controls (or at extremely low frequency if recessive) in Genome Aggregation Database.